The following is an entry in ClinVar:

NM_006912.6(RIT1):c.107-9C>G

Gene: RIT1 (Ras like without CAAX 1; minus strand). Cytogenetic location: 1q22.
Variant type: single nucleotide variant.
Coding change: c.107-9C>G on transcript NM_006912.6 (MANE Select); 9 bases into the intron before coding-DNA position 107, C replaced by G.
Molecular consequence: intron variant.
Genome position (GRCh38, 1-based): chr1:155,910,515, G>C on the plus strand (C>G on the coding strand, the complement: RIT1 is on the minus strand). VCF-style: chr1-155910515-G-C. GRCh37 (hg19) VCF-style: chr1-155880306-G-C.
Other names: c.-2-9C>G (NM_001256820.2); c.158-9C>G (NM_001256821.2, NM_001256821.1).
Identifiers: ClinVar variation 701093 (VCV000701093.20), dbSNP rs200597833, ClinGen allele CA1151885.

ClinVar aggregate classification (germline): Benign/Likely benign. Review status: criteria provided, multiple submitters, no conflicts (2 of 4 stars). 6 submissions from 6 submitters: Benign (1); Likely benign (4). 1 of the submissions does not count toward it. Last evaluated 2026-01-14.

Conditions:
RIT1-related disorder. Also called: RIT1-related condition.
Noonan syndrome 8 (NS8). Identifiers: Orphanet 648, MedGen C3809233, MONDO:0014143, OMIM 615355.

Allele frequency attached by ClinVar (database versions not stated): gnomAD 0.00001; gnomAD exomes 0.00003 and 0.00004; ExAC 0.00005; 1000 Genomes Project 30x 0.00016; 1000 Genomes Project 0.00020.
gnomAD v4.1: 57 of 1,614,014 alleles (0.0035%); highest among the groups gnomAD compares: Admixed American, 0.018%; no homozygotes.

Submissions (6):

Labcorp Genetics (formerly Invitae), Labcorp
Classification: Likely benign for Noonan syndrome 8. Last evaluated: 2026-01-14. Review status: criteria provided, single submitter. Criteria: Invitae Variant Classification Sherloc (09022015). Collection method: clinical testing. Allele origin: germline.

Women's Health and Genetics/Laboratory Corporation of America, LabCorp
Classification: Benign. Last evaluated: 2024-08-19. Review status: criteria provided, single submitter. Criteria: LabCorp Variant Classification Summary - May 2015. Collection method: clinical testing. Allele origin: germline.
Comment: Variant summary: RIT1 c.107-9C>G alters a nucleotide located at a position not widely known to affect splicing. Consensus agreement among computation tools predict no significant impact on normal splicing. However, these predictions have yet to be confirmed by functional studies. The variant allele was found at a frequency of 4e-05 in 251292 control chromosomes. The observed variant frequency is approximately 3 fold of the estimated maximal expected allele frequency for a pathogenic variant in RIT1 causing Noonan Syndrome And Related Conditions phenotype (1.3e-05). To our knowledge, no occurrence of c.107-9C>G in individuals affected with Noonan Syndrome And Related Conditions and no experimental evidence demonstrating its impact on protein function have been reported. ClinVar contains an entry for this variant (Variation ID: 701093). Based on the evidence outlined above, the variant was classified as benign.

Genome-Nilou Lab
Classification: Likely benign for Noonan syndrome 8. Last evaluated: 2023-04-11. Review status: criteria provided, single submitter. Criteria: ACMG Guidelines, 2015. Collection method: clinical testing. Allele origin: germline. Affected: no.

Blueprint Genetics
Classification: Likely benign. Last evaluated: 2022-10-04. Review status: criteria provided, single submitter. Criteria: ACMG Guidelines, 2015. Collection method: clinical testing. Allele origin: germline.

GeneDx
Classification: Likely benign. Last evaluated: 2021-04-13. Review status: criteria provided, single submitter. Criteria: GeneDx Variant Classification Process June 2021. Collection method: clinical testing. Allele origin: germline. Affected: yes.

PreventionGenetics, part of Exact Sciences
Classification: Likely benign for RIT1-related condition. Last evaluated: 2022-10-24. Review status: no assertion criteria provided. Collection method: clinical testing. Allele origin: germline. Not counted in ClinVar's aggregate classification.
Comment: This variant is classified as likely benign based on ACMG/AMP sequence variant interpretation guidelines (Richards et al. 2015 PMID: 25741868, with internal and published modifications).